The following is an entry in ClinVar:

NM_005655.4(KLF10):c.561A>T (p.Arg187Ser)

Gene: KLF10 (KLF transcription factor 10; minus strand). Cytogenetic location: 8q22.3.
Variant type: single nucleotide variant.
Coding change: c.561A>T on transcript NM_005655.4 (MANE Select); coding-DNA position 561, A replaced by T.
Protein change: p.Arg187Ser; replaces arginine 187 with serine.
Molecular consequence: missense variant.
Genome position (GRCh38, 1-based): chr8:102,651,771, T>A on the plus strand (A>T on the coding strand, the complement: KLF10 is on the minus strand). VCF-style: chr8-102651771-T-A. GRCh37 (hg19) VCF-style: chr8-103663999-T-A.
Other names: c.561A>T (NM_005655.2); c.528A>T, p.Arg176Ser (NM_001032282.4); short protein forms R176S, R187S.
Identifiers: ClinVar variation 1366083 (VCV001366083.10), dbSNP rs756525066, ClinGen allele CA4833581.
Genomic context (GRCh38, chr8:102,651,771, plus strand): 5'-TGGTGACACAGCGGCACATGGTATGTTCTTTCTTGCAGCCTCAACATTTAGGTGGGTTCT[T>A]CTTCTAAAAGAATTGTTCTGATAGTTGAGGATGCTGGCTGCTTTCATTGGGCAGGTCTGG-3'
Protein context (NP_005646.1, residues 177-197): ILNYQNNSFR[Arg187Ser]RTHLNVEAAR

ClinVar aggregate classification (germline): Uncertain significance. Review status: criteria provided, multiple submitters, no conflicts (2 of 4 stars). 2 submissions from 2 submitters: Uncertain significance (2). Last evaluated 2025-08-04.

Allele frequency attached by ClinVar (database versions not stated): ExAC 0.00016.
gnomAD v4.1: 49 of 1,614,146 alleles (0.003%); highest among the groups gnomAD compares: Admixed American, 0.082%; no homozygotes.

Submissions (2):

Ambry Genetics
Classification: Uncertain significance. Last evaluated: 2025-08-04. Review status: criteria provided, single submitter. Criteria: Ambry Variant Classification Scheme 2023. Collection method: clinical testing. Allele origin: germline.

Labcorp Genetics (formerly Invitae), Labcorp
Classification: Uncertain significance. Last evaluated: 2025-05-12. Review status: criteria provided, single submitter. Criteria: Invitae Variant Classification Sherloc (09022015). Collection method: clinical testing. Allele origin: germline.
Comment: This sequence change replaces arginine, which is basic and polar, with serine, which is neutral and polar, at codon 187 of the KLF10 protein (p.Arg187Ser). This variant is present in population databases (rs756525066, gnomAD 0.1%), and has an allele count higher than expected for a pathogenic variant. This variant has not been reported in the literature in individuals affected with KLF10-related conditions. ClinVar contains an entry for this variant (Variation ID: 1366083). An algorithm developed to predict the effect of missense changes on protein structure and function (PolyPhen-2) suggests that this variant is likely to be tolerated. In summary, the available evidence is currently insufficient to determine the role of this variant in disease. Therefore, it has been classified as a Variant of Uncertain Significance.